The following is an entry in ClinVar:

ClinVar aggregate classification (germline): Conflicting classifications of pathogenicity. Review status: criteria provided, conflicting classifications (1 of 4 stars). 2 submissions from 2 submitters: Uncertain significance (1); Likely benign (1). Last evaluated 2023-12-05.

Conditions:
Inborn genetic diseases. Identifiers: MedGen C0950123, MeSH D030342.
Neuropathy, hereditary sensory and autonomic, type 2A (HSAN2A). Also called: WNK1-Related HSAN2 (HSAN2A); MORVAN DISEASE; NEUROPATHY, CONGENITAL SENSORY; NEUROPATHY, HEREDITARY SENSORY RADICULAR, AUTOSOMAL RECESSIVE; NEUROPATHY, HEREDITARY SENSORY, TYPE IIA; NEUROPATHY, PROGRESSIVE SENSORY, OF CHILDREN. Identifiers: Orphanet 970, MedGen C2752089, MONDO:0024309, OMIM 201300.
Pseudohypoaldosteronism type 2C (PHA2C). Also called: Pseudohypoaldosteronism Type IIC. Identifiers: Orphanet 757, Orphanet 88940, MedGen C1840391, MONDO:0013778, OMIM 614492.

gnomAD v4.1: 1 of 1,614,052 alleles (0.000062%); highest among the groups gnomAD compares: Admixed American, 0.0017%; no homozygotes.

Submissions (2):

Ambry Genetics
Classification: Likely benign for Inborn genetic diseases. Last evaluated: 2023-12-05. Review status: criteria provided, single submitter. Criteria: Ambry Variant Classification Scheme 2023. Collection method: clinical testing. Allele origin: germline.

Labcorp Genetics (formerly Invitae), Labcorp
Classification: Uncertain significance for Neuropathy, hereditary sensory and autonomic, type 2A; Pseudohypoaldosteronism type 2C. Last evaluated: 2023-11-19. Review status: criteria provided, single submitter. Criteria: Invitae Variant Classification Sherloc (09022015). Collection method: clinical testing. Allele origin: germline.
Comment: This sequence change replaces valine, which is neutral and non-polar, with isoleucine, which is neutral and non-polar, at codon 707 of the WNK1 protein (p.Val707Ile). This variant is not present in population databases (gnomAD no frequency). This variant has not been reported in the literature in individuals affected with WNK1-related conditions. ClinVar contains an entry for this variant (Variation ID: 1362976). Advanced modeling of protein sequence and biophysical properties (such as structural, functional, and spatial information, amino acid conservation, physicochemical variation, residue mobility, and thermodynamic stability) performed at Invitae indicates that this missense variant is not expected to disrupt WNK1 protein function with a negative predictive value of 95%. In summary, the available evidence is currently insufficient to determine the role of this variant in disease. Therefore, it has been classified as a Variant of Uncertain Significance.

NM_018979.4(WNK1):c.2119G>A (p.Val707Ile)

Gene: WNK1 (WNK lysine deficient protein kinase 1; plus strand). Cytogenetic location: 12p13.33.
Variant type: single nucleotide variant.
Coding change: c.2119G>A on transcript NM_018979.4 (MANE Select); coding-DNA position 2119, G replaced by A.
Protein change: p.Val707Ile; replaces valine 707 with isoleucine.
Molecular consequence: missense variant.
Genome position (GRCh38, 1-based): chr12:862,250, G>A. VCF-style: chr12-862250-G-A. GRCh37 (hg19) VCF-style: chr12-971416-G-A.
Other names: c.2119G>A, p.Val707Ile (NM_001184985.2, NM_014823.3, NM_213655.5); c.2119G>A (NM_213655.4); short protein forms V707I.
Identifiers: ClinVar variation 1362976 (VCV001362976.7), dbSNP rs761380468, ClinGen allele CA383336730.
Genomic context (GRCh38, chr12:862,250, plus strand): 5'-ACAGGCACAGTCCCAGGGCATATACCTTCTACTGTCCAAGCACAGTCTCAGCCCCATGGG[G>A]TATATCCACCCTCAAGTGTGGTAAGTAAATGCTTAAGAGCATGTAATACTACAATGAGAG-3'
Protein context (NP_061852.3, residues 697-717): TVQAQSQPHG[Val707Ile]YPPSSVAQGQ